The following is an entry in ClinVar:

NM_004972.4(JAK2):c.2988G>A (p.Gly996=)

Genes: JAK2 (Janus kinase 2; plus strand), INSL6 (insulin like 6; minus strand). Cytogenetic location: 9p24.1.
Variant type: single nucleotide variant.
Coding change: c.2988G>A on transcript NM_004972.4 (MANE Select); coding-DNA position 2988, G replaced by A.
Protein change: p.Gly996=; no amino-acid change (glycine 996 retained).
Molecular consequence: synonymous variant. On other transcripts: non-coding transcript variant (2).
Genome position (GRCh38, 1-based): chr9:5,090,840, G>A. VCF-style: chr9-5090840-G-A. GRCh37 (hg19) VCF-style: chr9-5090840-G-A.
Other names: c.2988G>A, p.Gly996= (NM_001322194.2, NM_001322195.2, NM_001322196.2); c.1773G>A, p.Gly591= (NM_001322198.2, NM_001322199.2); c.2541G>A, p.Gly847= (NM_001322204.2).
Identifiers: ClinVar variation 738509 (VCV000738509.31), dbSNP rs779785467, ClinGen allele CA4972316.

ClinVar aggregate classification (germline): Likely benign. Review status: criteria provided, multiple submitters, no conflicts (2 of 4 stars). 2 submissions from 2 submitters: Likely benign (2). Last evaluated 2023-01-15.

Allele frequency attached by ClinVar (database versions not stated): TOPMed 0.00003; gnomAD 0.00005; gnomAD exomes 0.00005 and 0.00008; ExAC 0.00011.
gnomAD v4.1: 81 of 1,613,104 alleles (0.005%); highest among the groups gnomAD compares: Non-Finnish European, 0.0064%; no homozygotes.

Submissions (2):

Labcorp Genetics (formerly Invitae), Labcorp
Classification: Likely benign. Last evaluated: 2023-01-15. Review status: criteria provided, single submitter. Criteria: Invitae Variant Classification Sherloc (09022015). Collection method: clinical testing. Allele origin: germline.

CeGaT Center for Human Genetics Tuebingen
Classification: Likely benign. Last evaluated: 2022-11-01. Review status: criteria provided, single submitter. Criteria: CeGaT Center For Human Genetics Tuebingen Variant Classification Criteria Version 2. Collection method: clinical testing. Allele origin: germline. Affected: yes. Observed: 1 variant allele.
Comment: JAK2: BP4, BP7